The following is an entry in ClinVar:

ClinVar aggregate classification (germline): Conflicting classifications of pathogenicity. Review status: criteria provided, conflicting classifications (1 of 4 stars). 5 submissions from 5 submitters: Uncertain significance (3); Likely benign (2). Last evaluated 2026-06-30.

Conditions:
Cardiovascular phenotype. Identifiers: MedGen CN230736.
Autosomal recessive limb-girdle muscular dystrophy type 2J (LGMDR10). Also called: MUSCULAR DYSTROPHY, LIMB-GIRDLE, AUTOSOMAL RECESSIVE 10; Limb-girdle muscular dystrophy, type 2J. Identifiers: Orphanet 140922, MedGen C1837342, MONDO:0012127, OMIM 608807.
Dilated cardiomyopathy 1G (CMD1G). Identifiers: Orphanet 154, MedGen C1858763, MONDO:0011400, OMIM 604145.
TTN-related disorder. Also called: TTN-related condition; TTN-related disease; TTN-related disorders.
Cardiomyopathy (CMYO). Also called: Cardiomyopathies. Identifiers: Orphanet 167848, MedGen C0878544, MONDO:0004994, HP:0001638. Inheritance: Various modes of inheritance.

Submissions (5):

PreventionGenetics, part of Exact Sciences
Classification: Uncertain significance for TTN-related condition. Last evaluated: 2026-06-30. Review status: criteria provided, single submitter. Criteria: ACMG Guidelines, 2015. Collection method: clinical testing. Allele origin: germline.
Comment: The TTN c.68218C>T variant is predicted to result in the amino acid substitution p.Pro22740Ser. To our knowledge, this variant has not been reported in the literature or in a large population database (gnomAD), indicating this variant is rare. At this time, the clinical significance of this variant is uncertain due to the absence of conclusive functional and genetic evidence.

CHEO Genetics Diagnostic Laboratory, Children's Hospital of Eastern Ontario
Classification: Likely benign for Cardiomyopathy. Last evaluated: 2023-02-24. Review status: criteria provided, single submitter. Criteria: ACMG Guidelines, 2015. Collection method: clinical testing. Allele origin: germline.

Ambry Genetics
Classification: Likely benign for Cardiovascular phenotype. Last evaluated: 2021-08-05. Review status: criteria provided, single submitter. Criteria: Ambry Variant Classification Scheme 2023. Collection method: clinical testing. Allele origin: germline.

GeneDx
Classification: Uncertain significance. Last evaluated: 2020-12-01. Review status: criteria provided, single submitter. Criteria: GeneDx Variant Classification Process June 2021. Collection method: clinical testing. Allele origin: germline. Affected: yes.
Comment: Not observed at a significant frequency in large population cohorts (Lek et al., 2016); Missense variant in a gene in which most reported pathogenic variants are truncating/loss-of-function; Has not been previously published as pathogenic or benign to our knowledge

Labcorp Genetics (formerly Invitae), Labcorp
Classification: Uncertain significance for Dilated cardiomyopathy 1G; Autosomal recessive limb-girdle muscular dystrophy type 2J. Last evaluated: 2017-01-21. Review status: criteria provided, single submitter. Criteria: Invitae Variant Classification Sherloc (09022015). Collection method: clinical testing. Allele origin: germline.

NM_001267550.2(TTN):c.68218C>T (p.Pro22740Ser)

Genes: TTN (titin; minus strand), TTN-AS1 (TTN antisense RNA 1; plus strand), LOC126806423 (CDK7 strongly-dependent group 2 enhancer GRCh37_chr2:179443309-179444508; plus strand). Cytogenetic location: 2q31.2.
Variant type: single nucleotide variant.
Coding change: c.68218C>T on transcript NM_001267550.2 (MANE Select); coding-DNA position 68218, C replaced by T.
Protein change: p.Pro22740Ser; replaces proline 22740 with serine.
Molecular consequence: missense variant.
Genome position (GRCh38, 1-based): chr2:178,578,812, G>A on the plus strand (C>T on the coding strand, the complement: TTN is on the minus strand). VCF-style: chr2-178578812-G-A. GRCh37 (hg19) VCF-style: chr2-179443539-G-A.
Other names: c.63295C>T, p.Pro21099Ser (NM_001256850.1); c.41023C>T, p.Pro13675Ser (NM_003319.4); c.60514C>T, p.Pro20172Ser (NM_133378.4); c.41398C>T, p.Pro13800Ser (NM_133432.3); c.41599C>T, p.Pro13867Ser (NM_133437.4); short protein forms P13675S, P22740S, P13800S, P13867S, P20172S, P21099S.
Identifiers: ClinVar variation 264208 (VCV000264208.12), dbSNP rs886039082, ClinGen allele CA10587485.
Genomic context (GRCh38, chr2:178,578,812, plus strand): 5'-AAGCCTCCTCAAAACCGTGTTTTGCTTTACGTCTTCTGAATTTAAGACACTTACCAAATG[G>A]ATGTCTCGCAACAATTGGCTCCGATTTCAGGCCTTCCCCTACACCATATTTATTTTCGGC-3'
Protein context (NP_001254479.2, residues 22730-22750): LKSEPIVARH[Pro22740Ser]FDVPDAPPPP